The following is an entry in ClinVar:

NM_153485.3(NUP155):c.3768T>C (p.Ala1256=)

Gene: NUP155 (nucleoporin 155; minus strand). Cytogenetic location: 5p13.2.
Variant type: single nucleotide variant.
Coding change: c.3768T>C on transcript NM_153485.3 (MANE Select); coding-DNA position 3768, T replaced by C.
Protein change: p.Ala1256=; no amino-acid change (alanine 1256 retained).
Molecular consequence: synonymous variant.
Genome position (GRCh38, 1-based): chr5:37,298,893, A>G on the plus strand (T>C on the coding strand, the complement: NUP155 is on the minus strand). VCF-style: chr5-37298893-A-G. GRCh37 (hg19) VCF-style: chr5-37298995-A-G.
Other names: c.3576T>C, p.Ala1192= (NM_001278312.2); c.3591T>C, p.Ala1197= (NM_004298.4).
Identifiers: ClinVar variation 3035737 (VCV003035737.2), dbSNP rs1031927669, ClinGen allele CA117076941.
Genomic context (GRCh38, chr5:37,298,893, plus strand): 5'-GAAAATACGTGACTGCACCTAAGATCACAGCTTACCTAAAGGAAAGAAGCGTGGTGTGCC[A>G]GCATAAATTTTGCCAAGGAGAACAATCTTGAGACTAAGAGCATGCATTCTATCCGAGGAG-3'
Protein context (NP_705618.1, residues 1246-1266): LKIVLLGKIY[Ala1256=]GTPRFFPLDF

ClinVar aggregate classification (germline): Likely benign (0 of 4 stars; one submission).

Conditions:
NUP155-related disorder. Also called: NUP155-related condition.

Allele frequency attached by ClinVar (database versions not stated): gnomAD 0.00001; TOPMed 0.00002.
gnomAD v4.1: 26 of 1,608,906 alleles (0.0016%); highest among the groups gnomAD compares: Non-Finnish European, 0.0021%; no homozygotes.

Submission:

PreventionGenetics, part of Exact Sciences
Classification: Likely benign for NUP155-related condition. Last evaluated: 2019-08-01. Review status: no assertion criteria provided. Collection method: clinical testing. Allele origin: germline.
Comment: This variant is classified as likely benign based on ACMG/AMP sequence variant interpretation guidelines (Richards et al. 2015 PMID: 25741868, with internal and published modifications).